The following is an entry in ClinVar:

ClinVar aggregate classification (germline): Likely benign. Review status: criteria provided, multiple submitters, no conflicts (2 of 4 stars). 4 submissions from 4 submitters: Likely benign (3). 1 of the submissions does not count toward it. Last evaluated 2026-01-31.

Conditions:
EHMT1-related disorder. Also called: EHMT1-related condition.
Kleefstra syndrome 1 (KLEFS1). Identifiers: Orphanet 261494, MedGen C0795833, MONDO:0027407, OMIM 610253.

Allele frequency attached by ClinVar (database versions not stated): gnomAD exomes 0.00003 and 0.00006; ExAC 0.00008; gnomAD 0.00015 and 0.00016; 1000 Genomes Project 30x 0.00016; TOPMed 0.00016; 1000 Genomes Project 0.00020.
gnomAD v4.1: 62 of 1,585,322 alleles (0.0039%); highest among the groups gnomAD compares: Middle Eastern, 0.033%; no homozygotes.

Submissions (4):

Labcorp Genetics (formerly Invitae), Labcorp
Classification: Likely benign for Kleefstra syndrome 1. Last evaluated: 2026-01-31. Review status: criteria provided, single submitter. Criteria: Invitae Variant Classification Sherloc (09022015). Collection method: clinical testing. Allele origin: germline.

Centre for Mendelian Genomics, University Medical Centre Ljubljana
Classification: Likely benign for Kleefstra syndrome 1. Last evaluated: 2019-03-01. Review status: criteria provided, single submitter. Criteria: ACMG Guidelines, 2015. Collection method: clinical testing. Allele origin: unknown. Affected: yes.
Comment: This variant was classified as: Likely benign. The following ACMG criteria were applied in classifying this variant: BP4,BP6.

Genetic Services Laboratory, University of Chicago
Classification: Likely benign. Last evaluated: 2016-07-22. Review status: criteria provided, single submitter. Criteria: ACMG Guidelines, 2015. Collection method: clinical testing. Allele origin: germline. Affected: no.

PreventionGenetics, part of Exact Sciences
Classification: Likely benign for EHMT1-related condition. Last evaluated: 2019-11-21. Review status: no assertion criteria provided. Collection method: clinical testing. Allele origin: germline. Not counted in ClinVar's aggregate classification.
Comment: This variant is classified as likely benign based on ACMG/AMP sequence variant interpretation guidelines (Richards et al. 2015 PMID: 25741868, with internal and published modifications).

NM_024757.5(EHMT1):c.85+9G>A

Gene: EHMT1 (euchromatic histone lysine methyltransferase 1; plus strand). Cytogenetic location: 9q34.3.
Variant type: single nucleotide variant.
Coding change: c.85+9G>A on transcript NM_024757.5 (MANE Select); 9 bases into the intron after coding-DNA position 85, G replaced by A.
Molecular consequence: intron variant.
Genome position (GRCh38, 1-based): chr9:137,711,039, G>A. VCF-style: chr9-137711039-G-A. GRCh37 (hg19) VCF-style: chr9-140605491-G-A.
Other names: c.85+9G>A (NM_001354263.2, NM_001145527.2, NM_001354611.2); c.-8-5587G>A (NM_001354259.2, NM_001354612.2).
Identifiers: ClinVar variation 435035 (VCV000435035.20), dbSNP rs566701810, ClinGen allele CA5374131.